The following is an entry in ClinVar:

ClinVar aggregate classification (germline): Uncertain significance (1 of 4 stars; one submission).

Submission:

CeGaT Center for Human Genetics Tuebingen
Classification: Uncertain significance. Last evaluated: 2025-05-01. Review status: criteria provided, single submitter. Criteria: CeGaT Center For Human Genetics Tuebingen Variant Classification Criteria Version 2. Collection method: clinical testing. Allele origin: germline. Affected: yes. Observed: 1 variant allele.
Comment: ANK1: PM2, BP4

NM_000037.4(ANK1):c.2389-8C>T

Gene: ANK1 (ankyrin 1; minus strand). Cytogenetic location: 8p11.21.
Variant type: single nucleotide variant.
Coding change: c.2389-8C>T on transcript NM_000037.4 (MANE Select); 8 bases into the intron before coding-DNA position 2389, C replaced by T.
Molecular consequence: intron variant.
Genome position (GRCh38, 1-based): chr8:41,701,630, G>A on the plus strand (C>T on the coding strand, the complement: ANK1 is on the minus strand). VCF-style: chr8-41701630-G-A. GRCh37 (hg19) VCF-style: chr8-41559148-G-A.
Other names: c.2488-8C>T (NM_001142446.2); c.2389-8C>T (NM_020477.3, NM_020475.3, NM_020476.3).
Identifiers: ClinVar variation 3905136 (VCV003905136.10).